The following is an entry in ClinVar:

ClinVar aggregate classification (germline): Uncertain significance. Review status: criteria provided, multiple submitters, no conflicts (2 of 4 stars). 2 submissions from 2 submitters: Uncertain significance (2). Last evaluated 2022-02-10.

Conditions:
Hereditary cancer-predisposing syndrome. Also called: Neoplastic Syndromes, Hereditary; Tumor predisposition; Hereditary Cancer Syndrome; Hereditary neoplastic syndrome. Identifiers: Orphanet 140162, MedGen C0027672, MeSH D009386, MONDO:0015356.
Hereditary nonpolyposis colorectal neoplasms. Identifiers: MedGen C0009405, MeSH D003123.

Submissions (2):

Labcorp Genetics (formerly Invitae), Labcorp
Classification: Uncertain significance for Hereditary nonpolyposis colorectal neoplasms. Last evaluated: 2022-02-10. Review status: criteria provided, single submitter. Criteria: Invitae Variant Classification Sherloc (09022015). Collection method: clinical testing. Allele origin: germline.
Comment: ClinVar contains an entry for this variant (Variation ID: 819810). This variant has not been reported in the literature in individuals affected with PMS2-related conditions. This variant is not present in population databases (gnomAD no frequency). This sequence change replaces lysine, which is basic and polar, with glutamic acid, which is acidic and polar, at codon 561 of the PMS2 protein (p.Lys561Glu). In summary, the available evidence is currently insufficient to determine the role of this variant in disease. Therefore, it has been classified as a Variant of Uncertain Significance. Advanced modeling of protein sequence and biophysical properties (such as structural, functional, and spatial information, amino acid conservation, physicochemical variation, residue mobility, and thermodynamic stability) performed at Invitae indicates that this missense variant is not expected to disrupt PMS2 protein function.

Ambry Genetics
Classification: Uncertain significance for Hereditary cancer-predisposing syndrome. Last evaluated: 2018-03-19. Review status: criteria provided, single submitter. Criteria: Ambry Variant Classification Scheme 2023. Collection method: clinical testing. Allele origin: germline.
Comment: The p.K561E variant (also known as c.1681A>G), located in coding exon 11 of the PMS2 gene, results from an A to G substitution at nucleotide position 1681. The lysine at codon 561 is replaced by glutamic acid, an amino acid with similar properties. This amino acid position is not well conserved in available vertebrate species. In addition, this alteration is predicted to be tolerated by in silico analysis. Since supporting evidence is limited at this time, the clinical significance of this alteration remains unclear.

NM_000535.7(PMS2):c.1681A>G (p.Lys561Glu)

Gene: PMS2 (PMS1 homolog 2, mismatch repair system component; minus strand). Cytogenetic location: 7p22.1.
Variant type: single nucleotide variant.
Coding change: c.1681A>G on transcript NM_000535.7 (MANE Select); coding-DNA position 1681, A replaced by G.
Protein change: p.Lys561Glu; replaces lysine 561 with glutamic acid.
Molecular consequence: missense variant. On other transcripts: non-coding transcript variant (1).
Genome position (GRCh38, 1-based): chr7:5,987,084, T>C on the plus strand (A>G on the coding strand, the complement: PMS2 is on the minus strand). VCF-style: chr7-5987084-T-C. GRCh37 (hg19) VCF-style: chr7-6026715-T-C.
Other names: c.1276A>G, p.Lys426Glu (NM_001322003.2, NM_001322004.2, NM_001322005.2 and 1 more transcripts); c.1525A>G, p.Lys509Glu (NM_001322006.2); c.1363A>G, p.Lys455Glu (NM_001322007.2, NM_001322008.2); c.1120A>G, p.Lys374Glu (NM_001322010.2); c.748A>G, p.Lys250Glu (NM_001322011.2, NM_001322012.2); c.1108A>G, p.Lys370Glu (NM_001322013.2); c.1681A>G, p.Lys561Glu (NM_001322014.2); c.1372A>G, p.Lys458Glu (NM_001322015.2); short protein forms K374E, K455E, K250E, K458E, K561E, K509E, K370E, K426E.
Identifiers: ClinVar variation 819810 (VCV000819810.12), dbSNP rs1583316925, ClinGen allele CA366741225.
Genomic context (GRCh38, chr7:5,987,084, plus strand): 5'-TTTTAAAACGCTTTGTGTTTGGGGTTGCGAGATTAGTTGGCTGAGGCAAAACTCGAAATT[T>C]ACATCCGGTATCTTCCTGGTTTGAATGGCAGTCCACATCTGAAAAAGAGTCGTCAGTTTT-3'
Protein context (NP_000526.2, residues 551-571): CHSNQEDTGC[Lys561Glu]FRVLPQPTNL